The following is an entry in ClinVar:

ClinVar aggregate classification (germline): Uncertain significance (1 of 4 stars; one submission).

Conditions:
SIX5-related disorder. Also called: SIX5-related condition.

Submission:

PreventionGenetics, part of Exact Sciences
Classification: Uncertain significance for SIX5-related condition. Last evaluated: 2025-10-06. Review status: criteria provided, single submitter. Criteria: ACMG Guidelines, 2015. Collection method: clinical testing. Allele origin: germline.
Comment: The SIX5 c.361C>T variant is predicted to result in the amino acid substitution p.Arg121Cys. To our knowledge, this variant has not been reported in the literature or in a large population database (gnomAD), indicating this variant is rare. At this time, the clinical significance of this variant is uncertain due to the absence of conclusive functional and genetic evidence.

NM_175875.5(SIX5):c.361C>T (p.Arg121Cys)

Genes: DM1-AS (DM1 locus antisense RNA; plus strand), SIX5 (SIX homeobox 5; minus strand), LOC107075317 (origin of replication in DMPK trinucleotide repeat region; plus strand). Cytogenetic location: 19q13.32.
Variant type: single nucleotide variant.
Coding change: c.361C>T on transcript NM_175875.5 (MANE Select); coding-DNA position 361, C replaced by T.
Protein change: p.Arg121Cys; replaces arginine 121 with cysteine.
Molecular consequence: missense variant.
Genome position (GRCh38, 1-based): chr19:45,768,484, G>A on the plus strand (C>T on the coding strand, the complement: SIX5 is on the minus strand). VCF-style: chr19-45768484-G-A. GRCh37 (hg19) VCF-style: chr19-46271742-G-A.
Other names: short protein forms R121C.
Identifiers: ClinVar variation 4992952 (VCV004992952.1).